The following is an entry in ClinVar:

NM_000240.4(MAOA):c.1577G>A (p.Arg526Gln)

Gene: MAOA (monoamine oxidase A; plus strand). Cytogenetic location: Xp11.3.
Variant type: single nucleotide variant.
Coding change: c.1577G>A on transcript NM_000240.4 (MANE Select); coding-DNA position 1577, G replaced by A.
Protein change: p.Arg526Gln; replaces arginine 526 with glutamine.
Molecular consequence: missense variant.
Genome position (GRCh38, 1-based): chrX:43,744,506, G>A. VCF-style: chrX-43744506-G-A. GRCh37 (hg19) VCF-style: chrX-43603753-G-A.
Other names: c.1178G>A, p.Arg393Gln (NM_001270458.2); short protein forms R393Q, R526Q.
Identifiers: ClinVar variation 4624226 (VCV004624226.1).

ClinVar aggregate classification (germline): Uncertain significance (1 of 4 stars; one submission).

Conditions:
Inborn genetic diseases. Identifiers: MedGen C0950123, MeSH D030342.

gnomAD v4.1: 13 of 1,208,138 alleles (0.0011%); highest among the groups gnomAD compares: African/African-American, 0.0018%; no homozygotes.

Submission:

Ambry Genetics
Classification: Uncertain significance for Inborn genetic diseases. Last evaluated: 2025-09-24. Review status: criteria provided, single submitter. Criteria: Ambry Variant Classification Scheme 2023. Collection method: clinical testing. Allele origin: germline.
Comment: The c.1577G>A (p.R526Q) alteration is located in exon 15 (coding exon 15) of the MAOA gene. This alteration results from a G to A substitution at nucleotide position 1577, causing the arginine (R) at amino acid position 526 to be replaced by a glutamine (Q). Based on data from gnomAD, the A allele has an overall frequency of <0.001% (1/183204) total alleles studied. The highest observed frequency was 0.001% (1/81699) of European (non-Finnish) alleles. Based on insufficient or conflicting evidence, the clinical significance of this alteration remains unclear.